The following is an entry in ClinVar:

NM_173598.6(KSR2):c.1326-10T>A

Gene: KSR2 (kinase suppressor of ras 2; minus strand). Cytogenetic location: 12q24.22.
Variant type: single nucleotide variant.
Coding change: c.1326-10T>A on transcript NM_173598.6 (MANE Select); 10 bases into the intron before coding-DNA position 1326, T replaced by A.
Molecular consequence: intron variant.
Genome position (GRCh38, 1-based): chr12:117,558,583, A>T on the plus strand (T>A on the coding strand, the complement: KSR2 is on the minus strand). VCF-style: chr12-117558583-A-T. GRCh37 (hg19) VCF-style: chr12-117996388-A-T.
Identifiers: ClinVar variation 3354763 (VCV003354763.1).

ClinVar aggregate classification (germline): Likely benign (0 of 4 stars; one submission).

Conditions:
KSR2-related disorder. Also called: KSR2-related condition.

Submission:

PreventionGenetics, part of Exact Sciences
Classification: Likely benign for KSR2-related condition. Last evaluated: 2021-09-20. Review status: no assertion criteria provided. Collection method: clinical testing. Allele origin: germline.
Comment: This variant is classified as likely benign based on ACMG/AMP sequence variant interpretation guidelines (Richards et al. 2015 PMID: 25741868, with internal and published modifications).